The following is an entry in ClinVar:

ClinVar aggregate classification (germline): Uncertain significance. Review status: criteria provided, multiple submitters, no conflicts (2 of 4 stars). 2 submissions from 2 submitters: Uncertain significance (2). Last evaluated 2024-04-16.

Conditions:
Hereditary nonpolyposis colorectal neoplasms. Identifiers: MedGen C0009405, MeSH D003123.
Hereditary cancer-predisposing syndrome. Also called: Neoplastic Syndromes, Hereditary; Hereditary Cancer Syndrome; Tumor predisposition; Hereditary neoplastic syndrome. Identifiers: Orphanet 140162, MedGen C0027672, MeSH D009386, MONDO:0015356.

Submissions (2):

Ambry Genetics
Classification: Uncertain significance for Hereditary cancer-predisposing syndrome. Last evaluated: 2024-04-16. Review status: criteria provided, single submitter. Criteria: Ambry Variant Classification Scheme 2023. Collection method: clinical testing. Allele origin: germline.
Comment: The p.V280F variant (also known as c.838G>T), located in coding exon 8 of the PMS2 gene, results from a G to T substitution at nucleotide position 838. The valine at codon 280 is replaced by phenylalanine, an amino acid with highly similar properties. This amino acid position is not well conserved in available vertebrate species. In addition, the in silico prediction for this alteration is inconclusive. Based on the available evidence, the clinical significance of this variant remains unclear.

Labcorp Genetics (formerly Invitae), Labcorp
Classification: Uncertain significance for Hereditary nonpolyposis colorectal neoplasms. Last evaluated: 2023-04-07. Review status: criteria provided, single submitter. Criteria: Invitae Variant Classification Sherloc (09022015). Collection method: clinical testing. Allele origin: germline.
Comment: Advanced modeling of protein sequence and biophysical properties (such as structural, functional, and spatial information, amino acid conservation, physicochemical variation, residue mobility, and thermodynamic stability) has been performed at Invitae for this missense variant, however the output from this modeling did not meet the statistical confidence thresholds required to predict the impact of this variant on PMS2 protein function. In summary, the available evidence is currently insufficient to determine the role of this variant in disease. Therefore, it has been classified as a Variant of Uncertain Significance. This variant has not been reported in the literature in individuals affected with PMS2-related conditions. This variant is not present in population databases (gnomAD no frequency). This sequence change replaces valine, which is neutral and non-polar, with phenylalanine, which is neutral and non-polar, at codon 280 of the PMS2 protein (p.Val280Phe).

NM_000535.7(PMS2):c.838G>T (p.Val280Phe)

Gene: PMS2 (PMS1 homolog 2, mismatch repair system component; minus strand). Cytogenetic location: 7p22.1.
Variant type: single nucleotide variant.
Coding change: c.838G>T on transcript NM_000535.7 (MANE Select); coding-DNA position 838, G replaced by T.
Protein change: p.Val280Phe; replaces valine 280 with phenylalanine.
Molecular consequence: missense variant. On other transcripts: 5 prime UTR variant (2), non-coding transcript variant (1), intron variant (4).
Genome position (GRCh38, 1-based): chr7:5,995,599, C>A on the plus strand (G>T on the coding strand, the complement: PMS2 is on the minus strand). VCF-style: chr7-5995599-C-A. GRCh37 (hg19) VCF-style: chr7-6035230-C-A.
Other names: c.433G>T, p.Val145Phe (NM_001018040.1, NM_001322003.2, NM_001322004.2 and 20 more transcripts); c.838G>T, p.Val280Phe (NM_001322006.2, NM_001322014.2, NM_001406870.1 and 2 more transcripts); c.520G>T, p.Val174Phe (NM_001322007.2, NM_001322008.2, NM_001406876.1 and 4 more transcripts); c.-96G>T (NM_001322011.2, NM_001322012.2); c.265G>T, p.Val89Phe (NM_001322013.2, NM_001406909.1); c.529G>T, p.Val177Phe (NM_001322015.2, NM_001406875.1, NM_001406877.1 and 6 more transcripts); c.1024G>T, p.Val342Phe (NM_001406866.1); c.862G>T, p.Val288Phe (NM_001406868.1); and 8 more; short protein forms V168F, V224F, V288F, V109F, V174F, V342F, V145F, V177F.
Identifiers: ClinVar variation 2853301 (VCV002853301.4), dbSNP rs2128775920, ClinGen allele CA366743516.